The following is an entry in ClinVar:

NM_001458.5(FLNC):c.6608G>A (p.Arg2203His)

Genes: FLNC (filamin C; plus strand), FLNC-AS1 (FLNC antisense RNA 1; minus strand). Cytogenetic location: 7q32.1.
Variant type: single nucleotide variant.
Coding change: c.6608G>A on transcript NM_001458.5 (MANE Select); coding-DNA position 6608, G replaced by A.
Protein change: p.Arg2203His; replaces arginine 2203 with histidine.
Molecular consequence: missense variant.
Genome position (GRCh38, 1-based): chr7:128,854,097, G>A. VCF-style: chr7-128854097-G-A. GRCh37 (hg19) VCF-style: chr7-128494151-G-A.
Other names: c.6509G>A, p.Arg2170His (NM_001127487.2); short protein forms R2170H, R2203H.
Identifiers: ClinVar variation 857916 (VCV000857916.18), dbSNP rs1063262, ClinGen allele CA4476031.

ClinVar aggregate classification (germline): Conflicting classifications of pathogenicity. Review status: criteria provided, conflicting classifications (1 of 4 stars). 6 submissions from 6 submitters: Uncertain significance (5); Likely benign (1). Last evaluated 2026-03-11.

Conditions:
Cardiovascular phenotype. Identifiers: MedGen CN230736.
Myofibrillar myopathy 5. Also called: Filaminopathy (type); FILAMINOPATHY, AUTOSOMAL DOMINANT. Identifiers: Orphanet 171445, MedGen C1836050, MONDO:0012289, OMIM 609524.
Distal myopathy with posterior leg and anterior hand involvement. Also called: WILLIAMS DISTAL MYOPATHY. Identifiers: Orphanet 63273, MedGen C3279722, MONDO:0013550, OMIM 614065.
Hypertrophic cardiomyopathy 26. Also called: Cardiomyopathy, familial hypertrophic, 26. Identifiers: Orphanet 75249, MedGen C4310749, MONDO:0014883, OMIM 617047.

Allele frequency attached by ClinVar (database versions not stated): ExAC 0.00001; gnomAD 0.00001; TOPMed 0.00001; gnomAD exomes 0.00002.
gnomAD v4.1: 28 of 1,612,908 alleles (0.0017%); highest among the groups gnomAD compares: Admixed American, 0.0017%; no homozygotes.

Submissions (6):

Ambry Genetics
Classification: Uncertain significance for Cardiovascular phenotype. Last evaluated: 2026-03-11. Review status: criteria provided, single submitter. Criteria: Ambry Variant Classification Scheme 2023. Collection method: clinical testing. Allele origin: germline.

Labcorp Genetics (formerly Invitae), Labcorp
Classification: Uncertain significance for Distal myopathy with posterior leg and anterior hand involvement; Myofibrillar myopathy 5; Hypertrophic cardiomyopathy 26. Last evaluated: 2025-11-02. Review status: criteria provided, single submitter. Criteria: Invitae Variant Classification Sherloc (09022015). Collection method: clinical testing. Allele origin: germline.
Comment: This sequence change replaces arginine, which is basic and polar, with histidine, which is basic and polar, at codon 2203 of the FLNC protein (p.Arg2203His). This variant is present in population databases (rs1063262, gnomAD 0.005%). This missense change has been observed in individual(s) with clinical features of FLNC-related conditions (PMID: 35352813, 36788754). ClinVar contains an entry for this variant (Variation ID: 857916). An algorithm developed to predict the effect of missense changes on protein structure and function (PolyPhen-2) suggests that this variant is likely to be tolerated. In summary, the available evidence is currently insufficient to determine the role of this variant in disease. Therefore, it has been classified as a Variant of Uncertain Significance.

Molecular Diagnostic Laboratory for Inherited Cardiovascular Disease, Montreal Heart Institute
Classification: Uncertain significance for Cardiovascular phenotype. Last evaluated: 2025-04-09. Review status: criteria provided, single submitter. Criteria: ACMG Guidelines, 2015. Collection method: clinical testing. Allele origin: germline. Affected: yes.

Blueprint Genetics
Classification: Uncertain significance. Last evaluated: 2024-11-18. Review status: criteria provided, single submitter. Criteria: ACMG Guidelines, 2015. Collection method: clinical testing. Allele origin: germline.

GeneDx
Classification: Likely benign. Last evaluated: 2021-05-25. Review status: criteria provided, single submitter. Criteria: GeneDx Variant Classification Process June 2021. Collection method: clinical testing. Allele origin: germline. Affected: yes.
Comment: Has not been previously published as pathogenic or benign to our knowledge; In silico analysis, which includes protein predictors and evolutionary conservation, supports that this variant does not alter protein structure/function; Reported in ClinVar as a variant of uncertain significance (ClinVar Variant ID# 857916; Landrum et al., 2016)

Revvity Omics, Revvity
Classification: Uncertain significance. Last evaluated: 2019-07-22. Review status: criteria provided, single submitter. Criteria: ACMG Guidelines, 2015. Collection method: clinical testing. Allele origin: germline.

Literature cited by the submitters: PubMed 35352813 (cited by Labcorp Genetics (formerly Invitae), Labcorp); PubMed 36788754 (cited by Labcorp Genetics (formerly Invitae), Labcorp).